The following is an entry in ClinVar:

NM_001040108.2(MLH3):c.4138C>T (p.Leu1380Phe)

Gene: MLH3 (mutL homolog 3; minus strand). Cytogenetic location: 14q24.3.
Variant type: single nucleotide variant.
Coding change: c.4138C>T on transcript NM_001040108.2 (MANE Select); coding-DNA position 4138, C replaced by T.
Protein change: p.Leu1380Phe; replaces leucine 1380 with phenylalanine.
Molecular consequence: missense variant.
Genome position (GRCh38, 1-based): chr14:75,018,933, G>A on the plus strand (C>T on the coding strand, the complement: MLH3 is on the minus strand). VCF-style: chr14-75018933-G-A. GRCh37 (hg19) VCF-style: chr14-75485636-G-A.
Other names: c.4066C>T, p.Leu1356Phe (NM_014381.3); short protein forms L1380F, L1356F.
Identifiers: ClinVar variation 1738126 (VCV001738126.2), dbSNP rs1890082893, ClinGen allele CA390419972.
Genomic context (GRCh38, chr14:75,018,933, plus strand): 5'-TAGAAGGTCTCCCGTGAGCACACTGGAATGGCAGCTGGCATGAGGACAGAGCTTCAATAA[G>A]GCGGCAACTTTCCTGTAAGCTCAGGCCATCATTAAACTTAATGGCCCCTAAATGAAAGAC-3'
Protein context (NP_001035197.1, residues 1370-1390): DGLSLQESCR[Leu1380Phe]IEALSSCQLP

ClinVar aggregate classification (germline): Uncertain significance (1 of 4 stars; one submission).

Allele frequency attached by ClinVar (database versions not stated): gnomAD exomes below 0.00001.

Submission:

Ambry Genetics
Classification: Uncertain significance. Last evaluated: 2023-10-19. Review status: criteria provided, single submitter. Criteria: Ambry Variant Classification Scheme 2023. Collection method: clinical testing. Allele origin: germline.
Comment: The p.L1380F variant (also known as c.4138C>T), located in coding exon 11 of the MLH3 gene, results from a C to T substitution at nucleotide position 4138. The leucine at codon 1380 is replaced by phenylalanine, an amino acid with highly similar properties. This amino acid position is conserved. In addition, this alteration is predicted to be deleterious by in silico analysis. Since supporting evidence is limited at this time, the clinical significance of this alteration remains unclear.